The following is an entry in ClinVar:

NM_201384.3(PLEC):c.12755C>T (p.Ser4252Phe)

Gene: PLEC (plectin; minus strand). Cytogenetic location: 8q24.3.
Variant type: single nucleotide variant.
Coding change: c.12755C>T on transcript NM_201384.3 (MANE Select); coding-DNA position 12755, C replaced by T.
Protein change: p.Ser4252Phe; replaces serine 4252 with phenylalanine.
Molecular consequence: missense variant.
Genome position (GRCh38, 1-based): chr8:143,917,066, G>A on the plus strand (C>T on the coding strand, the complement: PLEC is on the minus strand). VCF-style: chr8-143917066-G-A. GRCh37 (hg19) VCF-style: chr8-144991234-G-A.
Other names: c.12836C>T, p.Ser4279Phe (NM_000445.5); c.9455C>T, p.Ser3152Phe (NM_001410941.1); c.12713C>T, p.Ser4238Phe (NM_201378.4); c.12689C>T, p.Ser4230Phe (NM_201379.3); c.13166C>T, p.Ser4389Phe (NM_201380.4); c.12659C>T, p.Ser4220Phe (NM_201381.3); c.12755C>T, p.Ser4252Phe (NM_201382.4); c.12767C>T, p.Ser4256Phe (NM_201383.3); short protein forms S4230F, S4220F, S4279F, S4238F, S4252F, S4256F, S3152F, S4389F.
Identifiers: ClinVar variation 4790023 (VCV004790023.1).

ClinVar aggregate classification (germline): Uncertain significance (1 of 4 stars; one submission).

Conditions:
Epidermolysis bullosa simplex with nail dystrophy (EBS5D). Identifiers: MedGen C4225309, MONDO:0014661, OMIM 616487.
Epidermolysis bullosa simplex, Ogna type (EBS5A). Also called: EPIDERMOLYSIS BULLOSA SIMPLEX 5A, OGNA TYPE; Pidermolysis bullosa simplex 5A, Ogna type. Identifiers: Orphanet 79401, MedGen C0432317, MONDO:0007555, OMIM 131950.
Autosomal recessive limb-girdle muscular dystrophy type 2Q (LGMDR17). Also called: MUSCULAR DYSTROPHY, LIMB-GIRDLE, AUTOSOMAL RECESSIVE 17. Identifiers: Orphanet 254361, MedGen C3150989, MONDO:0013390, OMIM 613723.
Epidermolysis bullosa simplex 5B, with muscular dystrophy (EBS5B). Also called: EPIDERMOLYSIS BULLOSA SIMPLEX AND LIMB-GIRDLE MUSCULAR DYSTROPHY; Epidermolysis bullosa simplex with muscular dystrophy. Identifiers: Orphanet 257, MedGen C2931072, MONDO:0009181, OMIM 226670.
Epidermolysis bullosa simplex 5C, with pyloric atresia (EBS5C). Also called: PLEC-Related Epidermolysis Bullosa with Pyloric Atresia; Epidermolysis bullosa simplex with pyloric atresia; PLEC1-Related Epidermolysis Bullosa with Pyloric Atresia. Identifiers: Orphanet 158684, MedGen C2677349, MONDO:0012807, OMIM 612138.

gnomAD v4.1: 6 of 1,607,320 alleles (0.00037%); highest among the groups gnomAD compares: African/African-American, 0.008%; no homozygotes.

Submission:

Labcorp Genetics (formerly Invitae), Labcorp
Classification: Uncertain significance for Autosomal recessive limb-girdle muscular dystrophy type 2Q; Epidermolysis bullosa simplex, Ogna type; Epidermolysis bullosa simplex with nail dystrophy; Epidermolysis bullosa simplex 5C, with pyloric atresia; Epidermolysis bullosa simplex 5B, with muscular dystrophy. Last evaluated: 2025-03-31. Review status: criteria provided, single submitter. Criteria: Invitae Variant Classification Sherloc (09022015). Collection method: clinical testing. Allele origin: germline.
Comment: This sequence change replaces serine, which is neutral and polar, with phenylalanine, which is neutral and non-polar, at codon 4279 of the PLEC protein (p.Ser4279Phe). This variant is present in population databases (rs782259278, gnomAD 0.01%). This variant has not been reported in the literature in individuals affected with PLEC-related conditions. Invitae Evidence Modeling of protein sequence and biophysical properties (such as structural, functional, and spatial information, amino acid conservation, physicochemical variation, residue mobility, and thermodynamic stability) indicates that this missense variant is not expected to disrupt PLEC protein function with a negative predictive value of 80%. In summary, the available evidence is currently insufficient to determine the role of this variant in disease. Therefore, it has been classified as a Variant of Uncertain Significance.